The following is an entry in ClinVar:

ClinVar aggregate classification (germline): Uncertain significance (1 of 4 stars; one submission).

Conditions:
Diastrophic dysplasia (DTD). Also called: Diastrophic dwarfism. Identifiers: Orphanet 628, MedGen C0220726, MONDO:0009107, OMIM 222600.
Atelosteogenesis type II (AO2). Also called: NEONATAL OSSEOUS DYSPLASIA I; Neonatal osseous dysplasia 1; SLC26A2-Related Atelosteogenesis. Identifiers: Orphanet 56304, MedGen C1850554, MONDO:0009727, OMIM 256050.
Multiple epiphyseal dysplasia type 4 (EDM4). Also called: Multiple Epiphyseal Dysplasia, Recessive; MULTIPLE EPIPHYSEAL DYSPLASIA WITH BILAYERED PATELLAE; MULTIPLE EPIPHYSEAL DYSPLASIA WITH CLUBFOOT; MULTIPLE EPIPHYSEAL DYSPLASIA, AUTOSOMAL RECESSIVE; SLC26A2-Related Multiple Epiphyseal Dysplasia. Identifiers: Orphanet 93307, MedGen C1847593, MONDO:0009189, OMIM 226900.
Achondrogenesis, type IB (ACG1B). Also called: Achondrogenesis Type 1B. Identifiers: Orphanet 932, Orphanet 93298, MedGen C0265274, MONDO:0010966, OMIM 600972.

gnomAD v4.1: 9 of 1,613,956 alleles (0.00056%); highest among the groups gnomAD compares: Non-Finnish European, 0.00068%; no homozygotes.

Submission:

Labcorp Genetics (formerly Invitae), Labcorp
Classification: Uncertain significance for Atelosteogenesis type II; Multiple epiphyseal dysplasia type 4; Achondrogenesis, type IB; Diastrophic dysplasia. Last evaluated: 2022-08-10. Review status: criteria provided, single submitter. Criteria: Invitae Variant Classification Sherloc (09022015). Collection method: clinical testing. Allele origin: germline.
Comment: This sequence change replaces aspartic acid, which is acidic and polar, with alanine, which is neutral and non-polar, at codon 385 of the SLC26A2 protein (p.Asp385Ala). This variant is not present in population databases (gnomAD no frequency). This variant has not been reported in the literature in individuals affected with SLC26A2-related conditions. ClinVar contains an entry for this variant (Variation ID: 1440679). Advanced modeling of protein sequence and biophysical properties (such as structural, functional, and spatial information, amino acid conservation, physicochemical variation, residue mobility, and thermodynamic stability) performed at Invitae indicates that this missense variant is expected to disrupt SLC26A2 protein function. In summary, the available evidence is currently insufficient to determine the role of this variant in disease. Therefore, it has been classified as a Variant of Uncertain Significance.

NM_000112.4(SLC26A2):c.1154A>C (p.Asp385Ala)

Gene: SLC26A2 (solute carrier family 26 member 2; plus strand). Cytogenetic location: 5q32.
Variant type: single nucleotide variant.
Coding change: c.1154A>C on transcript NM_000112.4 (MANE Select); coding-DNA position 1154, A replaced by C.
Protein change: p.Asp385Ala; replaces aspartic acid 385 with alanine.
Molecular consequence: missense variant.
Genome position (GRCh38, 1-based): chr5:149,980,747, A>C. VCF-style: chr5-149980747-A-C. GRCh37 (hg19) VCF-style: chr5-149360310-A-C.
Other names: short protein forms D385A.
Identifiers: ClinVar variation 1440679 (VCV001440679.3), dbSNP rs2113698323, ClinGen allele CA361707264.